The following is an entry in ClinVar:

ClinVar aggregate classification (germline): Uncertain significance. Review status: criteria provided, multiple submitters, no conflicts (2 of 4 stars). 2 submissions from 2 submitters: Uncertain significance (2). Last evaluated 2024-01-03.

Conditions:
Inborn genetic diseases. Identifiers: MedGen C0950123, MeSH D030342.

Allele frequency attached by ClinVar (database versions not stated): gnomAD 0.00001; TOPMed 0.00001; ExAC 0.00007.
gnomAD v4.1: 21 of 1,546,178 alleles (0.0014%); highest among the groups gnomAD compares: Non-Finnish European, 0.0017%; no homozygotes.

Submissions (2):

Ambry Genetics
Classification: Uncertain significance for Inborn genetic diseases. Last evaluated: 2024-01-03. Review status: criteria provided, single submitter. Criteria: Ambry Variant Classification Scheme 2023. Collection method: clinical testing. Allele origin: germline.

CeGaT Center for Human Genetics Tuebingen
Classification: Uncertain significance. Last evaluated: 2022-07-01. Review status: criteria provided, single submitter. Criteria: CeGaT Center For Human Genetics Tuebingen Variant Classification Criteria Version 2. Collection method: clinical testing. Allele origin: germline. Affected: yes. Observed: 1 variant allele.
Comment: SETD1B: PP2, BP4

NM_001353345.2(SETD1B):c.1400G>A (p.Arg467Gln)

Gene: SETD1B (SET domain containing 1B, histone lysine methyltransferase; plus strand). Cytogenetic location: 12q24.31.
Variant type: single nucleotide variant.
Coding change: c.1400G>A on transcript NM_001353345.2 (MANE Select); coding-DNA position 1400, G replaced by A.
Protein change: p.Arg467Gln; replaces arginine 467 with glutamine.
Molecular consequence: missense variant.
Genome position (GRCh38, 1-based): chr12:121,810,345, G>A. VCF-style: chr12-121810345-G-A. GRCh37 (hg19) VCF-style: chr12-122248251-G-A.
Other names: NM_015048.1:c.1400G>A; short protein forms R467Q.
Identifiers: ClinVar variation 2643431 (VCV002643431.25), dbSNP rs747773569, ClinGen allele CA6838865.